The following is an entry in ClinVar:

NM_000222.3(KIT):c.1764G>C (p.Arg588Ser)

Gene: KIT (KIT proto-oncogene, receptor tyrosine kinase; plus strand). Cytogenetic location: 4q12.
Variant type: single nucleotide variant.
Coding change: c.1764G>C on transcript NM_000222.3 (MANE Select); coding-DNA position 1764, G replaced by C.
Protein change: p.Arg588Ser; replaces arginine 588 with serine.
Molecular consequence: missense variant.
Genome position (GRCh38, 1-based): chr4:54,727,532, G>C. VCF-style: chr4-54727532-G-C. GRCh37 (hg19) VCF-style: chr4-55593698-G-C.
Other names: c.1752G>C, p.Arg584Ser (NM_001093772.2, NM_001385286.1); c.1767G>C, p.Arg589Ser (NM_001385284.1, NM_001385290.1); c.1764G>C, p.Arg588Ser (NM_001385285.1); c.1755G>C, p.Arg585Ser (NM_001385288.1, NM_001385292.1); short protein forms R588S, R585S, R584S, R589S.
Identifiers: ClinVar variation 5023294 (VCV005023294.1).
Genomic context (GRCh38, chr4:54,727,532, plus strand): 5'-TGTTTACATAGACCCAACACAACTTCCTTATGATCACAAATGGGAGTTTCCCAGAAACAG[G>C]CTGAGTTTTGGTCAGTATGAAACAGGGGCTTTCCATGTCACCTTTTTGGGTACACATAAC-3'
Protein context (NP_000213.1, residues 578-598): YDHKWEFPRN[Arg588Ser]LSFGKTLGAG

ClinVar aggregate classification (germline): Uncertain significance (1 of 4 stars; one submission).

Conditions:
Hereditary cancer-predisposing syndrome. Also called: Neoplastic Syndromes, Hereditary; Tumor predisposition; Hereditary neoplastic syndrome; Hereditary Cancer Syndrome. Identifiers: Orphanet 140162, MedGen C0027672, MeSH D009386, MONDO:0015356.

Submission:

Ambry Genetics
Classification: Uncertain significance for Hereditary cancer-predisposing syndrome. Last evaluated: 2026-06-25. Review status: criteria provided, single submitter. Criteria: Ambry Variant Classification Scheme 2023. Collection method: clinical testing. Allele origin: germline.
Comment: The p.R588S variant (also known as c.1764G>C), located in coding exon 11 of the KIT gene, results from a G to C substitution at nucleotide position 1764. The arginine at codon 588 is replaced by serine, an amino acid with dissimilar properties. This amino acid position is conserved. In addition, the in silico prediction for this alteration is inconclusive. Based on the available evidence, the clinical significance of this variant remains unclear.